The following is an entry in ClinVar:

ClinVar aggregate classification (germline): Uncertain significance. Review status: criteria provided, multiple submitters, no conflicts (2 of 4 stars). 2 submissions from 2 submitters: Uncertain significance (2). Last evaluated 2025-11-06.

Conditions:
Ullrich congenital muscular dystrophy 2 (UCMD2). Identifiers: Orphanet 75840, MedGen C4225314, MONDO:0014654, OMIM 616470.
Bethlem myopathy 2 (BTHLM2). Identifiers: Orphanet 536516, Orphanet 610, MedGen C4225313, MONDO:0034022, OMIM 616471.
Inborn genetic diseases. Identifiers: MedGen C0950123, MeSH D030342.

Allele frequency attached by ClinVar (database versions not stated): gnomAD 0.00001; ESP Exome Variant Server 0.00008.
gnomAD v4.1: 27 of 1,613,550 alleles (0.0017%); highest among the groups gnomAD compares: South Asian, 0.0044%; no homozygotes.

Submissions (2):

Labcorp Genetics (formerly Invitae), Labcorp
Classification: Uncertain significance for Bethlem myopathy 2; Ullrich congenital muscular dystrophy 2. Last evaluated: 2025-11-06. Review status: criteria provided, single submitter. Criteria: Invitae Variant Classification Sherloc (09022015). Collection method: clinical testing. Allele origin: germline.
Comment: This sequence change replaces asparagine, which is neutral and polar, with lysine, which is basic and polar, at codon 1758 of the COL12A1 protein (p.Asn1758Lys). This variant is present in population databases (rs374747725, gnomAD 0.007%). This variant has not been reported in the literature in individuals affected with COL12A1-related conditions. ClinVar contains an entry for this variant (Variation ID: 1426137). Invitae Evidence Modeling of protein sequence and biophysical properties (such as structural, functional, and spatial information, amino acid conservation, physicochemical variation, residue mobility, and thermodynamic stability) has been performed for this missense variant. However, the output from this modeling did not meet the statistical confidence thresholds required to predict the impact of this variant on COL12A1 protein function. In summary, the available evidence is currently insufficient to determine the role of this variant in disease. Therefore, it has been classified as a Variant of Uncertain Significance.

Ambry Genetics
Classification: Uncertain significance for Inborn genetic diseases. Last evaluated: 2024-12-28. Review status: criteria provided, single submitter. Criteria: Ambry Variant Classification Scheme 2023. Collection method: clinical testing. Allele origin: germline.

NM_004370.6(COL12A1):c.5274C>A (p.Asn1758Lys)

Gene: COL12A1 (collagen type XII alpha 1 chain; minus strand). Cytogenetic location: 6q13.
Variant type: single nucleotide variant.
Coding change: c.5274C>A on transcript NM_004370.6 (MANE Select); coding-DNA position 5274, C replaced by A.
Protein change: p.Asn1758Lys; replaces asparagine 1758 with lysine.
Molecular consequence: missense variant.
Genome position (GRCh38, 1-based): chr6:75,137,557, G>T on the plus strand (C>A on the coding strand, the complement: COL12A1 is on the minus strand). VCF-style: chr6-75137557-G-T. GRCh37 (hg19) VCF-style: chr6-75847273-G-T.
Other names: c.5274C>A (NM_004370.5); c.1782C>A, p.Asn594Lys (NM_080645.3); short protein forms N1758K, N594K.
Identifiers: ClinVar variation 1426137 (VCV001426137.9), dbSNP rs374747725, ClinGen allele CA3893178.